The following is an entry in ClinVar:

NM_002230.4(JUP):c.1563A>G (p.Ala521=)

Gene: JUP (junction plakoglobin; minus strand). Cytogenetic location: 17q21.2.
Variant type: single nucleotide variant.
Coding change: c.1563A>G on transcript NM_002230.4 (MANE Select); coding-DNA position 1563, A replaced by G.
Protein change: p.Ala521=; no amino-acid change (alanine 521 retained).
Molecular consequence: synonymous variant.
Genome position (GRCh38, 1-based): chr17:41,758,805, T>C on the plus strand (A>G on the coding strand, the complement: JUP is on the minus strand). VCF-style: chr17-41758805-T-C. GRCh37 (hg19) VCF-style: chr17-39915057-T-C.
Other names: p.Ala521=; c.1563A>G (NM_002230.3); c.1563A>G, p.Ala521= (NM_001352773.2, NM_001352774.2, NM_001352775.2 and 3 more transcripts).
Identifiers: ClinVar variation 45837 (VCV000045837.75), dbSNP rs149926974, ClinGen allele CA137145.

ClinVar aggregate classification (germline): Conflicting classifications of pathogenicity. Review status: criteria provided, conflicting classifications (1 of 4 stars). 17 submissions from 16 submitters: Uncertain significance (1); Benign (8); Likely benign (3). 5 of the submissions do not count toward it. Last evaluated 2026-06-01.

Conditions:
Cardiovascular phenotype. Identifiers: MedGen CN230736.
Naxos disease (NXD). Also called: CARDIOMYOPATHY, ARRHYTHMOGENIC RIGHT VENTRICULAR, WITH SKIN, HAIR, AND NAIL ABNORMALITIES; KERATOSIS PALMOPLANTARIS WITH ARRHYTHMOGENIC CARDIOMYOPATHY; MAL DE NAXOS; PALMOPLANTAR KERATODERMA WITH ARRHYTHMOGENIC RIGHT VENTRICULAR CARDIOMYOPATHY AND WOOLLY HAIR; WOOLLY HAIR, PALMOPLANTAR KERATODERMA, AND CARDIAC ABNORMALITIES. Identifiers: Orphanet 34217, MedGen C1832600, MONDO:0011017, OMIM 601214.
Arrhythmogenic right ventricular dysplasia 12. Also called: ARRHYTHMOGENIC RIGHT VENTRICULAR DYSPLASIA, FAMILIAL, 12. Identifiers: MedGen C1969081, MONDO:0012684, OMIM 611528.
Cardiomyopathy (CMYO). Also called: Cardiomyopathies. Identifiers: Orphanet 167848, MedGen C0878544, MONDO:0004994, HP:0001638. Inheritance: Various modes of inheritance.

Allele frequency attached by ClinVar (database versions not stated): 1000 Genomes Project 30x 0.00187; 1000 Genomes Project 0.00240; TOPMed 0.00240; ESP Exome Variant Server 0.00292; gnomAD exomes 0.00514 and 0.00665; ExAC 0.00627; gnomAD 0.00712 and 0.00753.
gnomAD v4.1: 8,454 of 1,611,740 alleles (0.52%); highest among the groups gnomAD compares: Non-Finnish European, 0.43%; 104 homozygotes.

Submissions (17):

CeGaT Center for Human Genetics Tuebingen
Classification: Likely benign. Last evaluated: 2026-06-01. Review status: criteria provided, single submitter. Criteria: CeGaT Center For Human Genetics Tuebingen Variant Classification Criteria Version 2. Collection method: clinical testing. Allele origin: germline. Affected: yes. Observed: 10 variant alleles.
Comment: JUP: BP4, BP7, BS2

Labcorp Genetics (formerly Invitae), Labcorp
Classification: Benign for Arrhythmogenic right ventricular dysplasia 12; Naxos disease. Last evaluated: 2026-02-04. Review status: criteria provided, single submitter. Criteria: Invitae Variant Classification Sherloc (09022015). Collection method: clinical testing. Allele origin: germline.

Molecular Diagnostic Laboratory for Inherited Cardiovascular Disease, Montreal Heart Institute
Classification: Benign. Last evaluated: 2025-04-09. Review status: criteria provided, single submitter. Criteria: ACMG Guidelines, 2015. Collection method: clinical testing. Allele origin: germline. Affected: no.

Blueprint Genetics
Classification: Likely benign. Last evaluated: 2024-11-25. Review status: criteria provided, single submitter. Criteria: ACMG Guidelines, 2015. Collection method: clinical testing. Allele origin: germline.

ARUP Laboratories, Molecular Genetics and Genomics, ARUP Laboratories
Classification: Benign. Last evaluated: 2024-11-19. Review status: criteria provided, single submitter. Criteria: ARUP Molecular Germline Variant Investigation Process 2024. Collection method: clinical testing. Allele origin: germline.

Illumina Laboratory Services, Illumina
Classification: Uncertain significance for Naxos disease. Last evaluated: 2018-01-12. Review status: criteria provided, single submitter. Criteria: ICSL Variant Classification Criteria 13 December 2019. Collection method: clinical testing. Allele origin: germline.

Illumina Laboratory Services, Illumina
Classification: Likely benign for Arrhythmogenic right ventricular dysplasia 12. Last evaluated: 2018-01-12. Review status: criteria provided, single submitter. Criteria: ICSL Variant Classification Criteria 13 December 2019. Collection method: clinical testing. Allele origin: germline.
Comment: This variant was observed in the ICSL laboratory as part of a predisposition screen in an ostensibly healthy population. It had not been previously curated by ICSL or reported in the Human Gene Mutation Database (HGMD: prior to June 1st, 2018), and was therefore a candidate for classification through an automated scoring system. Utilizing variant allele frequency, disease prevalence and penetrance estimates, and inheritance mode, an automated score was calculated to assess if this variant is too frequent to cause the disease. Based on the score and internal cut-off values, a variant classified as likely benign is not then subjected to further curation. The score for this variant resulted in a classification of likely benign for this disease.

Mayo Clinic Laboratories, Mayo Clinic
Classification: Benign. Last evaluated: 2016-09-21. Review status: criteria provided, single submitter. Criteria: ACMG Guidelines, 2015. Collection method: clinical testing. Allele origin: germline. Observed: 9 variant alleles.

CHEO Genetics Diagnostic Laboratory, Children's Hospital of Eastern Ontario
Classification: Benign for Cardiomyopathy. Last evaluated: 2016-06-15. Review status: criteria provided, single submitter. Criteria: ACMG Guidelines, 2015. Collection method: clinical testing. Allele origin: germline. Study: Canadian Open Genetics Repository.

Ambry Genetics
Classification: Benign for Cardiovascular phenotype. Last evaluated: 2015-10-02. Review status: criteria provided, single submitter. Criteria: Ambry Variant Classification Scheme 2023. Collection method: clinical testing. Allele origin: germline.

GeneDx
Classification: Benign. Last evaluated: 2015-03-03. Review status: criteria provided, single submitter. Criteria: GeneDx Variant Classification Process June 2021. Collection method: clinical testing. Allele origin: germline. Affected: yes.

Laboratory for Molecular Medicine, Mass General Brigham Personalized Medicine
Classification: Benign. Last evaluated: 2012-05-10. Review status: criteria provided, single submitter. Criteria: LMM Criteria. Collection method: clinical testing. Allele origin: germline. Observed: 11 variant alleles.
Comment: Ala521Ala in Exon 09 of JUP: This variant is not expected to have clinical signi ficance because it does not alter an amino acid residue, is not located within t he splice consensus sequence and has been identified in 0.4% (29/7018) of Europe an American chromosomes from a broad population by the NHLBI Exome Sequencing Pr oject (dbSNP rs149926974).

Clinical Genetics DNA and cytogenetics Diagnostics Lab, Erasmus MC, Erasmus Medical Center
Classification: Likely benign. Review status: no assertion criteria provided. Collection method: clinical testing. Allele origin: germline. Affected: yes. Study: VKGL Data-share Consensus. Not counted in ClinVar's aggregate classification.

Clinical Genetics, Academic Medical Center
Classification: Benign. Review status: no assertion criteria provided. Collection method: clinical testing. Allele origin: germline. Affected: yes. Study: VKGL Data-share Consensus. Not counted in ClinVar's aggregate classification.

Diagnostic Laboratory, Department of Genetics, University Medical Center Groningen
Classification: Likely benign. Review status: no assertion criteria provided. Collection method: clinical testing. Allele origin: germline. Affected: yes. Study: VKGL Data-share Consensus. Not counted in ClinVar's aggregate classification.

Genome Diagnostics Laboratory, University Medical Center Utrecht
Classification: Benign. Review status: no assertion criteria provided. Collection method: clinical testing. Allele origin: germline. Affected: yes. Study: VKGL Data-share Consensus. Not counted in ClinVar's aggregate classification.

Joint Genome Diagnostic Labs from Nijmegen and Maastricht, Radboudumc and MUMC+
Classification: Benign. Review status: no assertion criteria provided. Collection method: clinical testing. Allele origin: germline. Affected: yes. Study: VKGL Data-share Consensus. Not counted in ClinVar's aggregate classification.